The following is an entry in ClinVar:

ClinVar aggregate classification (germline): Conflicting classifications of pathogenicity. Review status: criteria provided, conflicting classifications (1 of 4 stars). 3 submissions from 3 submitters: Uncertain significance (1); Likely benign (1). 1 of the submissions does not count toward it. Last evaluated 2025-11-15.

Conditions:
DNAH1-related disorder. Also called: DNAH1-related condition.
Spermatogenic failure 18. Identifiers: MedGen C4539783, MONDO:0054615, OMIM 617576.
Ciliary dyskinesia, primary, 37 (CILD37). Also called: CILIARY DYSKINESIA, PRIMARY, 37, WITH OR WITHOUT SITUS INVERSUS. Identifiers: MedGen C4539798, MONDO:0033204, OMIM 617577.

Allele frequency attached by ClinVar (database versions not stated): gnomAD exomes 0.00010 and 0.00026; ExAC 0.00034; gnomAD 0.00095 and 0.00103; TOPMed 0.00110; 1000 Genomes Project 0.00120; 1000 Genomes Project 30x 0.00141; ESP Exome Variant Server 0.00168.
gnomAD v4.1: 292 of 1,612,520 alleles (0.018%); highest among the groups gnomAD compares: African/African-American, 0.34%; no homozygotes.

Submissions (3):

Labcorp Genetics (formerly Invitae), Labcorp
Classification: Likely benign for Ciliary dyskinesia, primary, 37; Spermatogenic failure 18. Last evaluated: 2025-11-15. Review status: criteria provided, single submitter. Criteria: Invitae Variant Classification Sherloc (09022015). Collection method: clinical testing. Allele origin: germline.

Blueprint Genetics
Classification: Uncertain significance. Last evaluated: 2024-09-04. Review status: criteria provided, single submitter. Criteria: ACMG Guidelines, 2015. Collection method: clinical testing. Allele origin: germline.

PreventionGenetics, part of Exact Sciences
Classification: Likely benign for DNAH1-related condition. Last evaluated: 2022-01-28. Review status: no assertion criteria provided. Collection method: clinical testing. Allele origin: germline. Not counted in ClinVar's aggregate classification.
Comment: This variant is classified as likely benign based on ACMG/AMP sequence variant interpretation guidelines (Richards et al. 2015 PMID: 25741868, with internal and published modifications).

NM_015512.5(DNAH1):c.8630A>T (p.Asp2877Val)

Gene: DNAH1 (dynein axonemal heavy chain 1; plus strand). Cytogenetic location: 3p21.1.
Variant type: single nucleotide variant.
Coding change: c.8630A>T on transcript NM_015512.5 (MANE Select); coding-DNA position 8630, A replaced by T.
Protein change: p.Asp2877Val; replaces aspartic acid 2877 with valine.
Molecular consequence: missense variant.
Genome position (GRCh38, 1-based): chr3:52,386,164, A>T. VCF-style: chr3-52386164-A-T. GRCh37 (hg19) VCF-style: chr3-52420180-A-T.
Other names: short protein forms D2877V.
Identifiers: ClinVar variation 707489 (VCV000707489.13), dbSNP rs181910198, ClinGen allele CA2435277.